The following is an entry in ClinVar:

NM_000059.4(BRCA2):c.4835C>A (p.Pro1612Gln)

Gene: BRCA2 (BRCA2 DNA repair associated; plus strand). Cytogenetic location: 13q13.1.
Variant type: single nucleotide variant.
Coding change: c.4835C>A on transcript NM_000059.4 (MANE Select); coding-DNA position 4835, C replaced by A.
Protein change: p.Pro1612Gln; replaces proline 1612 with glutamine.
Molecular consequence: missense variant. On other transcripts: non-coding transcript variant (1), intron variant (2).
Genome position (GRCh38, 1-based): chr13:32,339,190, C>A. VCF-style: chr13-32339190-C-A. GRCh37 (hg19) VCF-style: chr13-32913327-C-A.
Other names: c.4835C>A, p.Pro1612Gln (NM_001406719.1, NM_001406720.1, NM_001432077.1); c.1910-5368C>A (NM_001406721.1); c.425-5368C>A (NM_001406722.1); short protein forms P1612Q.
Identifiers: ClinVar variation 3992832 (VCV003992832.2).
Genomic context (GRCh38, chr13:32,339,190, plus strand): 5'-AAGAAATGCAGAATTCTCTCAATAATGATAAAAACCTTGTTTCTATTGAGACTGTGGTGC[C>A]ACCTAAGCTCTTAAGTGATAATTTATGTAGACAAACTGAAAATCTCAAAACATCAAAAAG-3'
Protein context (NP_000050.3, residues 1602-1622): KNLVSIETVV[Pro1612Gln]PKLLSDNLCR

ClinVar aggregate classification (germline): Uncertain significance. Review status: criteria provided, multiple submitters, no conflicts (2 of 4 stars). 2 submissions from 2 submitters: Uncertain significance (2). Last evaluated 2025-07-14.

Conditions:
Hereditary cancer-predisposing syndrome. Also called: Tumor predisposition; Hereditary neoplastic syndrome; Neoplastic Syndromes, Hereditary; Hereditary Cancer Syndrome. Identifiers: Orphanet 140162, MedGen C0027672, MeSH D009386, MONDO:0015356.

Submissions (2):

Color Diagnostics, LLC DBA Color Health
Classification: Uncertain significance for Hereditary cancer-predisposing syndrome. Last evaluated: 2025-07-14. Review status: criteria provided, single submitter. Criteria: ACMG Guidelines, 2015. Collection method: clinical testing. Allele origin: germline.
Comment: This missense variant replaces proline with glutamine at codon 1612 of the BRCA2 protein. Computational prediction suggests that this variant may not impact protein structure and function. To our knowledge, functional studies have not been reported for this variant. This variant has not been reported in individuals affected with BRCA2-related disorders in the literature. This variant has not been identified in the general population by the Genome Aggregation Database (gnomAD). The available evidence is insufficient to determine the role of this variant in disease conclusively. Therefore, this variant is classified as a Variant of Uncertain Significance.

Ambry Genetics
Classification: Uncertain significance for Hereditary cancer-predisposing syndrome. Last evaluated: 2025-05-06. Review status: criteria provided, single submitter. Criteria: Ambry Variant Classification Scheme 2023. Collection method: clinical testing. Allele origin: germline.
Comment: The p.P1612Q variant (also known as c.4835C>A), located in coding exon 10 of the BRCA2 gene, results from a C to A substitution at nucleotide position 4835. The proline at codon 1612 is replaced by glutamine, an amino acid with similar properties. This amino acid position is conserved. In addition, this alteration is predicted to be tolerated by in silico analysis. Based on the available evidence, the clinical significance of this variant remains unclear.